The following is an entry in ClinVar:

ClinVar aggregate classification (germline): Pathogenic. Review status: criteria provided, multiple submitters, no conflicts (2 of 4 stars). 4 submissions from 4 submitters: Pathogenic (3). 1 of the submissions does not count toward it. Last evaluated 2025-09-10.

Conditions:
Mandibuloacral dysplasia with type B lipodystrophy (MADB). Also called: LIPODYSTROPHY, TYPE B, ASSOCIATED WITH MANDIBULOACRAL DYSPLASIA. Identifiers: Orphanet 2457, Orphanet 90154, MedGen C1837756, MONDO:0012074, OMIM 608612.
Lethal tight skin contracture syndrome. Also called: Restrictive dermopathy; RESTRICTIVE DERMOPATHY, LETHAL; FETAL HYPOKINESIA SEQUENCE DUE TO RESTRICTIVE DERMOPATHY; HYPERKERATOSIS-CONTRACTURE SYNDROME. Identifiers: Orphanet 1662, MedGen C0406585, MONDO:0031213.

Submissions (4):

Genomic Medicine Center of Excellence, King Faisal Specialist Hospital and Research Centre
Classification: Pathogenic for Mandibuloacral dysplasia with type B lipodystrophy. Last evaluated: 2025-09-10. Review status: criteria provided, single submitter. Criteria: ACMG Guidelines, 2015. Collection method: clinical testing. Allele origin: germline.

Dubai Health Genomic Medicine Center, Dubai Health
Classification: Pathogenic for Mandibuloacral dysplasia with type B lipodystrophy. Last evaluated: 2024-10-04. Review status: criteria provided, single submitter. Criteria: ACMG Guidelines, 2015. Collection method: research. Allele origin: germline. Affected: yes.
Comment: PVS1,PM2,PS3

Genetic Diagnostics Department, Viafet Genomics Laboratory
Classification: Pathogenic for Restrictive dermopathy 1. Last evaluated: 2021-08-23. Review status: criteria provided, single submitter. Criteria: ACMG Guidelines, 2015. Collection method: clinical testing. Allele origin: germline. Inheritance: Autosomal recessive inheritance. Affected: no. Observed: 3 variant alleles, 3 heterozygotes.
Comment: As part of Carrier Screening testing performed at Viafet Genomics Laboratory, this variant was identified in a heterozygous state in 3 family members who are not affected with this condition. This variant is present in exon 5/10 in the only transcript of this gene. Several loss-of-function variants are reported as disease-causing in HGMD and/or ClinVar after this position. Sander et al., 2008 have identified this variant in a homozygous state in two patients affected with restrictive myopathy. Mutant mRNA expression studies have shown an in-frame exon 5 skipping (PMID: 18671782).

ZMPSTE24 homepage - Leiden Muscular Dystrophy pages
No classification provided. Review status: no classification provided. Collection method: not provided. Allele origin: germline. Not counted in ClinVar's aggregate classification.
Comment: has functional consequence

Literature cited by the submitters: PubMed 18671782 (cited by Genetic Diagnostics Department, Viafet Genomics Laboratory).

NM_005857.5(ZMPSTE24):c.627+1G>C

Gene: ZMPSTE24 (zinc metallopeptidase STE24; plus strand). Cytogenetic location: 1p34.2.
Variant type: single nucleotide variant.
Coding change: c.627+1G>C on transcript NM_005857.5 (MANE Select); the canonical splice donor site of the intron after coding-DNA position 627, G replaced by C.
Molecular consequence: splice donor variant.
Genome position (GRCh38, 1-based): chr1:40,270,128, G>C. VCF-style: chr1-40270128-G-C. GRCh37 (hg19) VCF-style: chr1-40735800-G-C.
Identifiers: ClinVar variation 140532 (VCV000140532.4), dbSNP rs312262686, ClinGen allele CA232753.